The following is an entry in ClinVar:

ClinVar aggregate classification (germline): Uncertain significance (1 of 4 stars; one submission).

Allele frequency attached by ClinVar (database versions not stated): gnomAD exomes below 0.00001; ExAC 0.00003.
gnomAD v4.1: 4 of 1,612,554 alleles (0.00025%); highest among the groups gnomAD compares: Admixed American, 0.0067%; no homozygotes.

Submission:

Labcorp Genetics (formerly Invitae), Labcorp
Classification: Uncertain significance. Last evaluated: 2023-05-25. Review status: criteria provided, single submitter. Criteria: Invitae Variant Classification Sherloc (09022015). Collection method: clinical testing. Allele origin: germline.
Comment: Variants that disrupt the consensus splice site are a relatively common cause of aberrant splicing (PMID: 17576681, 9536098). Algorithms developed to predict the effect of sequence changes on RNA splicing suggest that this variant is not likely to affect RNA splicing. ClinVar contains an entry for this variant (Variation ID: 1937259). This variant has not been reported in the literature in individuals affected with NEDD4L-related conditions. In summary, the available evidence is currently insufficient to determine the role of this variant in disease. Therefore, it has been classified as a Variant of Uncertain Significance. This variant is present in population databases (rs753685851, gnomAD 0.01%). This sequence change falls in intron 11 of the NEDD4L gene. It does not directly change the encoded amino acid sequence of the NEDD4L protein. It affects a nucleotide within the consensus splice site.

Literature cited by the submitters: PubMed 17576681; PubMed 9536098.

NM_001144967.3(NEDD4L):c.991-3C>T

Gene: NEDD4L (NEDD4 like E3 ubiquitin protein ligase; plus strand). Cytogenetic location: 18q21.31.
Variant type: single nucleotide variant.
Coding change: c.991-3C>T on transcript NM_001144967.3 (MANE Select); 3 bases into the intron before coding-DNA position 991, C replaced by T.
Molecular consequence: intron variant.
Genome position (GRCh38, 1-based): chr18:58,333,815, C>T. VCF-style: chr18-58333815-C-T. GRCh37 (hg19) VCF-style: chr18-56001047-C-T.
Other names: c.991-3C>T (NM_015277.6, NM_001243960.2); c.628-3C>T (NM_001144964.1, NM_001144971.2, NM_001144965.2 and 2 more transcripts); c.967-3C>T (NM_001144968.2, NM_001144969.2).
Identifiers: ClinVar variation 1937259 (VCV001937259.5), dbSNP rs753685851, ClinGen allele CA8975537.
Genomic context (GRCh38, chr18:58,333,815, plus strand): 5'-CCAATGAAAGTTGCTTTTAAGAATATATTTCTTGATGCTTCCTGTCTTTTCCTCTCCTTC[C>T]AGCAAAGAGAACCCTCCTCAAGGTTGAGGTCATGCAGTGTCACCGACGCAGTTGCAGAAC-3'